The following is an entry in ClinVar:

ClinVar aggregate classification (germline): Uncertain significance. Review status: criteria provided, multiple submitters, no conflicts (2 of 4 stars). 2 submissions from 2 submitters: Uncertain significance (2). Last evaluated 2025-04-17.

Conditions:
Chédiak-Higashi syndrome (CHS). Also called: Chediak-Higashi Syndrome. Identifiers: Orphanet 167, MedGen C0007965, MONDO:0008963, OMIM 214500.
Inborn genetic diseases. Identifiers: MedGen C0950123, MeSH D030342.

Allele frequency attached by ClinVar (database versions not stated): gnomAD 0.00001; gnomAD exomes 0.00005; ExAC 0.00008; 1000 Genomes Project 30x 0.00016.
gnomAD v4.1: 78 of 1,614,094 alleles (0.0048%); highest among the groups gnomAD compares: South Asian, 0.079%; 1 homozygote.

Submissions (2):

Labcorp Genetics (formerly Invitae), Labcorp
Classification: Uncertain significance for Chédiak-Higashi syndrome. Last evaluated: 2025-04-17. Review status: criteria provided, single submitter. Criteria: Invitae Variant Classification Sherloc (09022015). Collection method: clinical testing. Allele origin: germline.
Comment: This sequence change replaces proline, which is neutral and non-polar, with alanine, which is neutral and non-polar, at codon 196 of the LYST protein (p.Pro196Ala). This variant is present in population databases (rs765410057, gnomAD 0.06%). This variant has not been reported in the literature in individuals affected with LYST-related conditions. ClinVar contains an entry for this variant (Variation ID: 1956260). Invitae Evidence Modeling of protein sequence and biophysical properties (such as structural, functional, and spatial information, amino acid conservation, physicochemical variation, residue mobility, and thermodynamic stability) indicates that this missense variant is not expected to disrupt LYST protein function with a negative predictive value of 80%. In summary, the available evidence is currently insufficient to determine the role of this variant in disease. Therefore, it has been classified as a Variant of Uncertain Significance.

Ambry Genetics
Classification: Uncertain significance for Inborn genetic diseases. Last evaluated: 2023-04-11. Review status: criteria provided, single submitter. Criteria: Ambry Variant Classification Scheme 2023. Collection method: clinical testing. Allele origin: germline.

NM_000081.4(LYST):c.586C>G (p.Pro196Ala)

Gene: LYST (lysosomal trafficking regulator; minus strand). Cytogenetic location: 1q42.3.
Variant type: single nucleotide variant.
Coding change: c.586C>G on transcript NM_000081.4 (MANE Select); coding-DNA position 586, C replaced by G.
Protein change: p.Pro196Ala; replaces proline 196 with alanine.
Molecular consequence: missense variant.
Genome position (GRCh38, 1-based): chr1:235,810,232, G>C on the plus strand (C>G on the coding strand, the complement: LYST is on the minus strand). VCF-style: chr1-235810232-G-C. GRCh37 (hg19) VCF-style: chr1-235973532-G-C.
Other names: c.586C>G (NM_000081.2); c.586C>G, p.Pro196Ala (NM_001301365.1); short protein forms P196A.
Identifiers: ClinVar variation 1956260 (VCV001956260.5), dbSNP rs765410057, ClinGen allele CA1467603.